The following is an entry in ClinVar:

ClinVar aggregate classification (germline): Conflicting classifications of pathogenicity. Review status: criteria provided, conflicting classifications (1 of 4 stars). 3 submissions from 3 submitters: Uncertain significance (1); Likely benign (1). 1 of the submissions does not count toward it. Last evaluated 2025-02-24.

Conditions:
Breast-ovarian cancer, familial, susceptibility to, 2 (BROVCA2). Also called: BRCA2 Hereditary Breast and Ovarian Cancer. Identifiers: Orphanet 145, MedGen C2675520, MONDO:0012933, OMIM 612555. Disease mechanism: loss of function.
Hereditary cancer-predisposing syndrome. Also called: Tumor predisposition; Hereditary Cancer Syndrome; Neoplastic Syndromes, Hereditary; Hereditary neoplastic syndrome. Identifiers: Orphanet 140162, MedGen C0027672, MeSH D009386, MONDO:0015356.
Hereditary breast ovarian cancer syndrome. Also called: Breast and ovarian cancer; Hereditary breast and ovarian cancer; Hereditary breast and ovarian cancer syndrome; BRCA1- and BRCA2-Associated Hereditary Breast and Ovarian Cancer; Hereditary breast and ovarian cancer syndrome (HBOC); Hereditary breast and/or ovarian cancer syndrome. Identifiers: Orphanet 145, MedGen C0677776, MeSH D061325, MONDO:0003582. Disease mechanism: loss of function.

Submissions (3):

Labcorp Genetics (formerly Invitae), Labcorp
Classification: Uncertain significance for Hereditary breast ovarian cancer syndrome. Last evaluated: 2025-02-24. Review status: criteria provided, single submitter. Criteria: Invitae Variant Classification Sherloc (09022015). Collection method: clinical testing. Allele origin: germline.
Comment: This sequence change replaces isoleucine, which is neutral and non-polar, with lysine, which is basic and polar, at codon 2693 of the BRCA2 protein (p.Ile2693Lys). This variant is not present in population databases (gnomAD no frequency). This missense change has been observed in individual(s) with pancreatic cancer (PMID: 35171259). ClinVar contains an entry for this variant (Variation ID: 91500). Invitae Evidence Modeling of protein sequence and biophysical properties (such as structural, functional, and spatial information, amino acid conservation, physicochemical variation, residue mobility, and thermodynamic stability) indicates that this missense variant is not expected to disrupt BRCA2 protein function with a negative predictive value of 95%. In summary, the available evidence is currently insufficient to determine the role of this variant in disease. Therefore, it has been classified as a Variant of Uncertain Significance.

Ambry Genetics
Classification: Likely benign for Hereditary cancer-predisposing syndrome. Last evaluated: 2022-01-09. Review status: criteria provided, single submitter. Criteria: Ambry Variant Classification Scheme 2023. Collection method: clinical testing. Allele origin: germline.

Sharing Clinical Reports Project (SCRP)
Classification: Uncertain significance for Breast-ovarian cancer, familial 2. Last evaluated: 2013-04-16. Review status: no assertion criteria provided. Collection method: clinical testing. Allele origin: germline. Not counted in ClinVar's aggregate classification.

Literature cited by the submitters: PubMed 35171259 (cited by Labcorp Genetics (formerly Invitae), Labcorp).

NM_000059.4(BRCA2):c.8078T>A (p.Ile2693Lys)

Gene: BRCA2 (BRCA2 DNA repair associated; plus strand). Cytogenetic location: 13q13.1.
Variant type: single nucleotide variant.
Coding change: c.8078T>A on transcript NM_000059.4 (MANE Select); coding-DNA position 8078, T replaced by A.
Protein change: p.Ile2693Lys; replaces isoleucine 2693 with lysine.
Molecular consequence: missense variant.
Genome position (GRCh38, 1-based): chr13:32,363,280, T>A. VCF-style: chr13-32363280-T-A. GRCh37 (hg19) VCF-style: chr13-32937417-T-A.
Other names: 8306T>A; short protein forms I2693K.
Identifiers: ClinVar variation 91500 (VCV000091500.13), dbSNP rs398122595, ClinGen allele CA025441.
Genomic context (GRCh38, chr13:32,363,280, plus strand): 5'-AAAAGATAATGGAAAGGGATGACACAGCTGCAAAAACACTTGTTCTCTGTGTTTCTGACA[T>A]AATTTCATTGAGCGCAAATATATCTGAAACTTCTAGCAATAAAACTAGTAGTGCAGATAC-3'
Protein context (NP_000050.3, residues 2683-2703): AKTLVLCVSD[Ile2693Lys]ISLSANISET